The following is an entry in ClinVar:

NM_001164508.2(NEB):c.751G>C (p.Ala251Pro)

Gene: NEB (nebulin; minus strand). Cytogenetic location: 2q23.3.
Variant type: single nucleotide variant.
Coding change: c.751G>C on transcript NM_001164508.2 (MANE Select); coding-DNA position 751, G replaced by C.
Protein change: p.Ala251Pro; replaces alanine 251 with proline.
Molecular consequence: missense variant.
Genome position (GRCh38, 1-based): chr2:151,717,487, C>G on the plus strand (G>C on the coding strand, the complement: NEB is on the minus strand). VCF-style: chr2-151717487-C-G. GRCh37 (hg19) VCF-style: chr2-152574001-C-G.
Other names: c.751G>C, p.Ala251Pro (NM_001164507.2, NM_001271208.2, NM_004543.5); c.751G>C (NM_004543.4); short protein forms A251P.
Identifiers: ClinVar variation 3726211 (VCV003726211.3).

ClinVar aggregate classification (germline): Uncertain significance. Review status: criteria provided, multiple submitters, no conflicts (2 of 4 stars). 2 submissions from 2 submitters: Uncertain significance (2). Last evaluated 2025-05-19.

Conditions:
Inborn genetic diseases. Identifiers: MedGen C0950123, MeSH D030342.
Nemaline myopathy 2 (NEM2). Also called: Nemaline myopathy 2, autosomal recessive. Identifiers: MedGen C1850569, MONDO:0009725, OMIM 256030.

Submissions (2):

Ambry Genetics
Classification: Uncertain significance for Inborn genetic diseases. Last evaluated: 2025-05-19. Review status: criteria provided, single submitter. Criteria: Ambry Variant Classification Scheme 2023. Collection method: clinical testing. Allele origin: germline.

Labcorp Genetics (formerly Invitae), Labcorp
Classification: Uncertain significance for Nemaline myopathy 2. Last evaluated: 2024-12-05. Review status: criteria provided, single submitter. Criteria: Invitae Variant Classification Sherloc (09022015). Collection method: clinical testing. Allele origin: germline.
Comment: This sequence change replaces alanine, which is neutral and non-polar, with proline, which is neutral and non-polar, at codon 251 of the NEB protein (p.Ala251Pro). This variant is not present in population databases (gnomAD no frequency). This variant has not been reported in the literature in individuals affected with NEB-related conditions. Experimental studies and prediction algorithms are not available or were not evaluated, and the functional significance of this variant is currently unknown. In summary, the available evidence is currently insufficient to determine the role of this variant in disease. Therefore, it has been classified as a Variant of Uncertain Significance.